The following is an entry in ClinVar:

NM_001540.5(HSPB1):c.*11C>T

Gene: HSPB1 (heat shock protein family B (small) member 1; plus strand). Cytogenetic location: 7q11.23.
Variant type: single nucleotide variant.
Coding change: c.*11C>T on transcript NM_001540.5 (MANE Select); 11 bases downstream of the stop codon, C replaced by T.
Molecular consequence: 3 prime UTR variant.
Genome position (GRCh38, 1-based): chr7:76,304,184, C>T. VCF-style: chr7-76304184-C-T. GRCh37 (hg19) VCF-style: chr7-75933501-C-T.
Other names: c.*11C>T (LRG_248t1).
Identifiers: ClinVar variation 258164 (VCV000258164.22), dbSNP rs1058872, ClinGen allele CA4306461.
Genomic context (GRCh38, chr7:76,304,184, plus strand): 5'-AGCTTGGGGGCCCAGAAGCTGCAAAATCCGATGAGACTGCCGCCAAGTAAAGCCTTAGCC[C>T]GGATGCCCACCCCTGCTGCCGCCACTGGCTGTGCCTCCCCCGCCACCTGTGTGTTCTTTT-3'

ClinVar aggregate classification (germline): Benign. Review status: criteria provided, multiple submitters, no conflicts (2 of 4 stars). 6 submissions from 5 submitters: Benign (6). Last evaluated 2025-07-09.

Conditions:
Charcot-Marie-Tooth disease. Also called: Charcot-Marie-Tooth Hereditary Neuropathy; Charcot-Marie-Tooth Neuropathy. Identifiers: Orphanet 166, MedGen C0007959, MONDO:0015626.
Neuronopathy, distal hereditary motor, type 2B. Also called: HMN IIB; NEURONOPATHY, DISTAL HEREDITARY MOTOR, AUTOSOMAL DOMINANT 3; NEURONOPATHY, DISTAL HEREDITARY MOTOR, HARDING TYPE IIB; NEUROPATHY, DISTAL HEREDITARY MOTOR, HARDING TYPE IIB. Identifiers: Orphanet 139525, MedGen C2608087, MONDO:0012080, OMIM 608634.
Charcot-Marie-Tooth disease axonal type 2F (CMT2F). Also called: CHARCOT-MARIE-TOOTH DISEASE, NEURONAL, TYPE 2F; Charcot-Marie-Tooth Neuropathy Type 2F. Identifiers: Orphanet 99940, MedGen C1847823, MONDO:0011687, OMIM 606595.

Allele frequency attached by ClinVar (database versions not stated): ESP Exome Variant Server 0.02449; gnomAD 0.02524 and 0.02598; TOPMed 0.02812; ExAC 0.01903; 1000 Genomes Project 30x 0.02889; gnomAD exomes 0.01495; 1000 Genomes Project 0.02716.
gnomAD v4.1: 20,839 of 1,604,494 alleles (1.3%); highest among the groups gnomAD compares: African/African-American, 5.9%; 309 homozygotes.

Submissions (6):

ARUP Laboratories, Molecular Genetics and Genomics, ARUP Laboratories
Classification: Benign. Last evaluated: 2025-07-09. Review status: criteria provided, single submitter. Criteria: ARUP Molecular Germline Variant Investigation Process 2024. Collection method: clinical testing. Allele origin: germline.

Illumina Laboratory Services, Illumina
Classification: Benign for Neuronopathy, distal hereditary motor, type 2B. Last evaluated: 2018-01-13. Review status: criteria provided, single submitter. Criteria: ICSL Variant Classification Criteria 13 December 2019. Collection method: clinical testing. Allele origin: germline.
Comment: This variant was observed in the ICSL laboratory as part of a predisposition screen in an ostensibly healthy population. It had not been previously curated by ICSL or reported in the Human Gene Mutation Database (HGMD: prior to June 1st, 2018), and was therefore a candidate for classification through an automated scoring system. Utilizing variant allele frequency, disease prevalence and penetrance estimates, and inheritance mode, an automated score was calculated to assess if this variant is too frequent to cause the disease. Based on the score and internal cut-off values, a variant classified as benign is not then subjected to further curation. The score for this variant resulted in a classification of benign for this disease.

Illumina Laboratory Services, Illumina
Classification: Benign for Charcot-Marie-Tooth disease axonal type 2F. Last evaluated: 2018-01-13. Review status: criteria provided, single submitter. Criteria: ICSL Variant Classification Criteria 13 December 2019. Collection method: clinical testing. Allele origin: germline.
Comment: the same text as in the submission from Illumina Laboratory Services, Illumina above.

Breakthrough Genomics
Classification: Benign. Review status: criteria provided, single submitter. Criteria: ACMG Guidelines, 2015. Collection method: not provided. Allele origin: germline. Inheritance: Autosomal dominant inheritance. Affected: yes.

Molecular Genetics Laboratory, London Health Sciences Centre
Classification: Benign for Charcot-Marie-Tooth disease. Review status: criteria provided, single submitter. Criteria: ACMG Guidelines, 2015. Collection method: clinical testing. Allele origin: germline. Affected: yes.

PreventionGenetics, part of Exact Sciences
Classification: Benign. Review status: criteria provided, single submitter. Criteria: ACMG Guidelines, 2015. Collection method: clinical testing. Allele origin: germline.